The following is an entry in ClinVar:

ClinVar aggregate classification (germline): Uncertain significance. Review status: criteria provided, multiple submitters, no conflicts (2 of 4 stars). 2 submissions from 2 submitters: Uncertain significance (2). Last evaluated 2025-05-15.

Conditions:
Hereditary cancer-predisposing syndrome. Also called: Neoplastic Syndromes, Hereditary; Hereditary neoplastic syndrome; Tumor predisposition; Hereditary Cancer Syndrome. Identifiers: Orphanet 140162, MedGen C0027672, MeSH D009386, MONDO:0015356.

Submissions (2):

Ambry Genetics
Classification: Uncertain significance for Hereditary cancer-predisposing syndrome. Last evaluated: 2025-05-15. Review status: criteria provided, single submitter. Criteria: Ambry Variant Classification Scheme 2023. Collection method: clinical testing. Allele origin: germline.
Comment: The p.R779S variant (also known as c.2335C>A), located in coding exon 17 of the MSH3 gene, results from a C to A substitution at nucleotide position 2335. The arginine at codon 779 is replaced by serine, an amino acid with dissimilar properties. This amino acid position is conserved. In addition, this alteration is predicted to be deleterious by in silico analysis. Based on the available evidence, the clinical significance of this variant remains unclear.

Labcorp Genetics (formerly Invitae), Labcorp
Classification: Uncertain significance. Last evaluated: 2023-04-03. Review status: criteria provided, single submitter. Criteria: Invitae Variant Classification Sherloc (09022015). Collection method: clinical testing. Allele origin: germline.
Comment: This sequence change replaces arginine, which is basic and polar, with serine, which is neutral and polar, at codon 779 of the MSH3 protein (p.Arg779Ser). This variant is not present in population databases (gnomAD no frequency). This variant has not been reported in the literature in individuals affected with MSH3-related conditions. An algorithm developed to predict the effect of missense changes on protein structure and function (PolyPhen-2) suggests that this variant is likely to be disruptive. In summary, the available evidence is currently insufficient to determine the role of this variant in disease. Therefore, it has been classified as a Variant of Uncertain Significance.

NM_002439.5(MSH3):c.2335C>A (p.Arg779Ser)

Gene: MSH3 (mutS homolog 3; plus strand). Cytogenetic location: 5q14.1.
Variant type: single nucleotide variant.
Coding change: c.2335C>A on transcript NM_002439.5 (MANE Select); coding-DNA position 2335, C replaced by A.
Protein change: p.Arg779Ser; replaces arginine 779 with serine.
Molecular consequence: missense variant.
Genome position (GRCh38, 1-based): chr5:80,778,736, C>A. VCF-style: chr5-80778736-C-A. GRCh37 (hg19) VCF-style: chr5-80074555-C-A.
Other names: c.2335C>A (NM_002439.3); short protein forms R779S.
Identifiers: ClinVar variation 2893965 (VCV002893965.4), dbSNP rs368162490, ClinGen allele CA360281733.
Genomic context (GRCh38, chr5:80,778,736, plus strand): 5'-TTACTAACCTTGATTTCCTATTTGTGTTCTTTCCCCTCTTCTAGCACAAAAGCTGTGAGC[C>A]GCTTTCACTCTCCTTTTATTGTAGAAAATTACAGACATCTGAATCAGCTCCGGGAGCAGC-3'
Protein context (NP_002430.3, residues 769-789): VKVGSTKAVS[Arg779Ser]FHSPFIVENY